The following is an entry in ClinVar:

ClinVar aggregate classification (germline): Uncertain significance. Review status: criteria provided, multiple submitters, no conflicts (2 of 4 stars). 2 submissions from 2 submitters: Uncertain significance (2). Last evaluated 2024-05-13.

Conditions:
Inborn genetic diseases. Identifiers: MedGen C0950123, MeSH D030342.

Allele frequency attached by ClinVar (database versions not stated): gnomAD 0.00002; TOPMed 0.00002.
gnomAD v4.1: 3 of 1,613,898 alleles (0.00019%); highest among the groups gnomAD compares: African/African-American, 0.0027%; no homozygotes.

Submissions (2):

Ambry Genetics
Classification: Uncertain significance for Inborn genetic diseases. Last evaluated: 2024-05-13. Review status: criteria provided, single submitter. Criteria: Ambry Variant Classification Scheme 2023. Collection method: clinical testing. Allele origin: germline.

Labcorp Genetics (formerly Invitae), Labcorp
Classification: Uncertain significance. Last evaluated: 2021-09-04. Review status: criteria provided, single submitter. Criteria: Invitae Variant Classification Sherloc (09022015). Collection method: clinical testing. Allele origin: germline.
Comment: This sequence change replaces arginine with threonine at codon 255 of the LARP7 protein (p.Arg255Thr). The arginine residue is highly conserved and there is a moderate physicochemical difference between arginine and threonine. This variant is not present in population databases (ExAC no frequency). This variant has not been reported in the literature in individuals affected with LARP7-related conditions. Algorithms developed to predict the effect of missense changes on protein structure and function (SIFT, PolyPhen-2, Align-GVGD) all suggest that this variant is likely to be disruptive. In summary, the available evidence is currently insufficient to determine the role of this variant in disease. Therefore, it has been classified as a Variant of Uncertain Significance.

NM_016648.4(LARP7):c.764G>C (p.Arg255Thr)

Genes: MIR302CHG (miR-302/367 cluster host gene; minus strand), LARP7 (La ribonucleoprotein 7, transcriptional regulator; plus strand). Cytogenetic location: 4q25.
Variant type: single nucleotide variant.
Coding change: c.764G>C on transcript NM_016648.4 (MANE Select); coding-DNA position 764, G replaced by C.
Protein change: p.Arg255Thr; replaces arginine 255 with threonine.
Molecular consequence: missense variant.
Genome position (GRCh38, 1-based): chr4:112,647,316, G>C. VCF-style: chr4-112647316-G-C. GRCh37 (hg19) VCF-style: chr4-113568472-G-C.
Other names: c.764G>C, p.Arg255Thr (NM_001267039.4, NM_001370974.1, NM_001370975.1 and 2 more transcripts); c.761G>C, p.Arg254Thr (NM_001370976.1, NM_001370977.1, NM_001370979.1 and 1 more transcripts); c.527G>C, p.Arg176Thr (NM_001370981.1, NM_001370982.1); c.764G>C (NM_016648.2); short protein forms R254T, R176T, R255T.
Identifiers: ClinVar variation 1350090 (VCV001350090.7), dbSNP rs1208393364, ClinGen allele CA357925410.